The following is an entry in ClinVar:

NM_004006.3(DMD):c.2292+2T>C

Gene: DMD (dystrophin; minus strand). Cytogenetic location: Xp21.1.
Variant type: single nucleotide variant.
Coding change: c.2292+2T>C on transcript NM_004006.3 (MANE Select); the canonical splice donor site of the intron after coding-DNA position 2292, T replaced by C.
Molecular consequence: splice donor variant.
Genome position (GRCh38, 1-based): chrX:32,518,006, A>G on the plus strand (T>C on the coding strand, the complement: DMD is on the minus strand). VCF-style: chrX-32518006-A-G. GRCh37 (hg19) VCF-style: chrX-32536123-A-G.
Other names: c.2268+2T>C (NM_000109.4); c.2280+2T>C (NM_004009.3); c.1923+2T>C (NM_004010.3).
Identifiers: ClinVar variation 2737172 (VCV002737172.3), dbSNP rs1557396600, ClinGen allele CA412663582.

ClinVar aggregate classification (germline): Pathogenic (1 of 4 stars; one submission).

Conditions:
Duchenne muscular dystrophy (DMD). Also called: MUSCULAR DYSTROPHY, PSEUDOHYPERTROPHIC PROGRESSIVE, DUCHENNE TYPE; Duchenne Muscular Dystrophy (DMD). Identifiers: Orphanet 98896, MedGen C0013264, MONDO:0010679, OMIM 310200.

Submission:

Labcorp Genetics (formerly Invitae), Labcorp
Classification: Pathogenic for Duchenne muscular dystrophy. Last evaluated: 2023-01-14. Review status: criteria provided, single submitter. Criteria: Invitae Variant Classification Sherloc (09022015). Collection method: clinical testing. Allele origin: germline.
Comment: This variant is not present in population databases (gnomAD no frequency). For these reasons, this variant has been classified as Pathogenic. Algorithms developed to predict the effect of sequence changes on RNA splicing suggest that this variant may disrupt the consensus splice site. ClinVar contains an entry for this variant (Variation ID: 1322509). Disruption of this splice site has been observed in individuals with Duchenne muscular dystrophy (PMID: 21515508, 31671740). This sequence change affects a donor splice site in intron 18 of the DMD gene. It is expected to disrupt RNA splicing. Variants that disrupt the donor or acceptor splice site typically lead to a loss of protein function (PMID: 16199547), and loss-of-function variants in DMD are known to be pathogenic (PMID: 16770791, 25007885).

Literature cited by the submitters: PubMed 21515508; PubMed 31671740; PubMed 16199547; PubMed 16770791; PubMed 25007885.